The following is an entry in ClinVar:

NM_007272.3(CTRC):c.136T>G (p.Ser46Ala)

Gene: CTRC (chymotrypsin C; plus strand). Cytogenetic location: 1p36.21.
Variant type: single nucleotide variant.
Coding change: c.136T>G on transcript NM_007272.3 (MANE Select); coding-DNA position 136, T replaced by G.
Protein change: p.Ser46Ala; replaces serine 46 with alanine.
Molecular consequence: missense variant.
Genome position (GRCh38, 1-based): chr1:15,440,496, T>G. VCF-style: chr1-15440496-T-G. GRCh37 (hg19) VCF-style: chr1-15766992-T-G.
Other names: short protein forms S46A.
Identifiers: ClinVar variation 3837278 (VCV003837278.1).
Genomic context (GRCh38, chr1:15,440,496, plus strand): 5'-GGGTGAGGGTCCCAGGGACCTGCAGGCTGACACACAGCCCTCCCCACCCTCCTGCAGATC[T>G]CCCTCCAGTACCTCAAGAACGACACGTGGAGGCATACGTGTGGCGGGACTTTGATTGCTA-3'
Protein context (NP_009203.2, residues 36-56): ARPHSWPWQI[Ser46Ala]LQYLKNDTWR

ClinVar aggregate classification (germline): Uncertain significance (1 of 4 stars; one submission).

Conditions:
Hereditary pancreatitis (PCTT). Also called: PRSS1-Related Hereditary Pancreatitis; Hereditary chronic pancreatitis. Identifiers: Orphanet 676, MedGen C0238339, MONDO:0008185, OMIM 167800.

gnomAD v4.1: 13 of 1,613,954 alleles (0.00081%); highest among the groups gnomAD compares: Non-Finnish European, 0.0011%; no homozygotes.

Submission:

Ambry Genetics
Classification: Uncertain significance for Hereditary pancreatitis. Last evaluated: 2025-02-05. Review status: criteria provided, single submitter. Criteria: Ambry Variant Classification Scheme 2023. Collection method: clinical testing. Allele origin: germline.
Comment: The p.S46A variant (also known as c.136T>G), located in coding exon 3 of the CTRC gene, results from a T to G substitution at nucleotide position 136. The serine at codon 46 is replaced by alanine, an amino acid with similar properties. This amino acid position is conserved. In addition, the in silico prediction for this alteration is inconclusive. Based on the available evidence, the clinical significance of this variant remains unclear.